The following is an entry in ClinVar:

NM_001184.4(ATR):c.3409C>T (p.Gln1137Ter)

Gene: ATR (ATR checkpoint kinase; minus strand). Cytogenetic location: 3q23.
Variant type: single nucleotide variant.
Coding change: c.3409C>T on transcript NM_001184.4 (MANE Select); coding-DNA position 3409, C replaced by T.
Protein change: p.Gln1137Ter; replaces glutamine 1137 with a stop codon.
Molecular consequence: nonsense.
Genome position (GRCh38, 1-based): chr3:142,542,706, G>A on the plus strand (C>T on the coding strand, the complement: ATR is on the minus strand). VCF-style: chr3-142542706-G-A. GRCh37 (hg19) VCF-style: chr3-142261548-G-A.
Other names: c.3217C>T, p.Gln1073Ter (NM_001354579.2); short protein forms Q1137*, Q1073*.
Identifiers: ClinVar variation 2716985 (VCV002716985.4), dbSNP rs2108441280, ClinGen allele CA354809270.

ClinVar aggregate classification (germline): Pathogenic. Review status: criteria provided, multiple submitters, no conflicts (2 of 4 stars). 2 submissions from 2 submitters: Pathogenic (2). Last evaluated 2025-11-04.

Conditions:
Seckel syndrome 1 (SCKL1). Also called: MICROCEPHALIC PRIMORDIAL DWARFISM I. Identifiers: Orphanet 808, MedGen C4551474, MONDO:0008869, OMIM 210600.

gnomAD v4.1: 1 of 1,613,232 alleles (0.000062%); highest among the groups gnomAD compares: Non-Finnish European, 0.000085%; no homozygotes.

Submissions (2):

3billion
Classification: Pathogenic for Seckel syndrome 1. Last evaluated: 2025-11-04. Review status: criteria provided, single submitter. Criteria: ACMG Guidelines, 2015. Collection method: clinical testing. Allele origin: germline. Affected: yes.
Comment: The variant is observed at an extremely low frequency in the gnomAD v4.1.0 dataset (total allele frequency: <0.001%). Predicted Consequence/Location: Stop-gained (nonsense): predicted to result in a loss or disruption of normal protein function through nonsense-mediated decay (NMD) or protein truncation. Multiple pathogenic variants are reported downstream of the variant. The variant has been reported to be associated with ATR-related disorder (ClinVar ID: VCV002716985). Therefore, this variant is classified as Pathogenic according to the recommendation of ACMG/AMP guideline.

Labcorp Genetics (formerly Invitae), Labcorp
Classification: Pathogenic. Last evaluated: 2024-12-04. Review status: criteria provided, single submitter. Criteria: Invitae Variant Classification Sherloc (09022015). Collection method: clinical testing. Allele origin: germline.
Comment: This sequence change creates a premature translational stop signal (p.Gln1137*) in the ATR gene. It is expected to result in an absent or disrupted protein product. Loss-of-function variants in ATR are known to be pathogenic (PMID: 21228398, 23144622). This variant is not present in population databases (gnomAD no frequency). This variant has not been reported in the literature in individuals affected with ATR-related conditions. ClinVar contains an entry for this variant (Variation ID: 2716985). Algorithms developed to predict the effect of sequence changes on RNA splicing suggest that this variant may disrupt the consensus splice site. For these reasons, this variant has been classified as Pathogenic.

Literature cited by the submitters: PubMed 21228398 (cited by Labcorp Genetics (formerly Invitae), Labcorp); PubMed 23144622 (cited by Labcorp Genetics (formerly Invitae), Labcorp).